The following is an entry in ClinVar:

ClinVar aggregate classification (germline): Uncertain significance (1 of 4 stars; one submission).

Conditions:
Exostoses, multiple, type 2 (EXT2). Also called: EXOSTOSES, MULTIPLE, TYPE II; Hereditary Multiple Osteochondromatosis, Type II. Identifiers: Orphanet 321, MedGen C1851413, MONDO:0007586, OMIM 133701.

gnomAD v4.1: 3 of 1,614,024 alleles (0.00019%); highest among the groups gnomAD compares: Admixed American, 0.0017%; no homozygotes.

Submission:

Labcorp Genetics (formerly Invitae), Labcorp
Classification: Uncertain significance for Exostoses, multiple, type 2. Last evaluated: 2023-01-24. Review status: criteria provided, single submitter. Criteria: Invitae Variant Classification Sherloc (09022015). Collection method: clinical testing. Allele origin: germline.
Comment: In summary, the available evidence is currently insufficient to determine the role of this variant in disease. Therefore, it has been classified as a Variant of Uncertain Significance. Advanced modeling of protein sequence and biophysical properties (such as structural, functional, and spatial information, amino acid conservation, physicochemical variation, residue mobility, and thermodynamic stability) performed at Invitae indicates that this missense variant is not expected to disrupt EXT2 protein function. This variant has not been reported in the literature in individuals affected with EXT2-related conditions. This variant is present in population databases (rs752340612, gnomAD 0.0009%). This sequence change replaces aspartic acid, which is acidic and polar, with glutamic acid, which is acidic and polar, at codon 416 of the EXT2 protein (p.Asp416Glu).

NM_207122.2(EXT2):c.1248C>G (p.Asp416Glu)

Gene: EXT2 (exostosin glycosyltransferase 2; plus strand). Cytogenetic location: 11p11.2.
Variant type: single nucleotide variant.
Coding change: c.1248C>G on transcript NM_207122.2 (MANE Select); coding-DNA position 1248, C replaced by G.
Protein change: p.Asp416Glu; replaces aspartic acid 416 with glutamic acid.
Molecular consequence: missense variant.
Genome position (GRCh38, 1-based): chr11:44,171,685, C>G. VCF-style: chr11-44171685-C-G. GRCh37 (hg19) VCF-style: chr11-44193235-C-G.
Other names: c.1248C>G, p.Asp416Glu (NM_001389628.1, NM_001389630.1); c.1347C>G, p.Asp449Glu (NM_000401.3); c.1278C>G, p.Asp426Glu (NM_001178083.3); short protein forms D416E, D426E, D449E.
Identifiers: ClinVar variation 2979750 (VCV002979750.3), dbSNP rs752340612, ClinGen allele CA5955198.
Genomic context (GRCh38, chr11:44,171,685, plus strand): 5'-GGAAGCGTACTTCCAGTCAATTAAAGCCATTGCCCTGGCCACCCTGCAGATTATCAATGA[C>G]CGGATCTATCCATATGCTGCCATCTCCTATGAAGAATGGAATGACCCTCCTGCTGTGGTA-3'
Protein context (NP_997005.1, residues 406-426): IALATLQIIN[Asp416Glu]RIYPYAAISY